The following is an entry in ClinVar:

ClinVar aggregate classification (germline): Uncertain significance (1 of 4 stars; one submission).

Allele frequency attached by ClinVar (database versions not stated): gnomAD 0.00001; gnomAD exomes below 0.00001; TOPMed below 0.00001.

Submission:

GeneDx
Classification: Uncertain significance. Last evaluated: 2019-07-18. Review status: criteria provided, single submitter. Criteria: GeneDx Variant Classification Process June 2021. Collection method: clinical testing. Allele origin: germline. Affected: yes.
Comment: In silico analysis, which includes protein predictors and evolutionary conservation, supports a deleterious effect; Has not been previously published as pathogenic or benign to our knowledge

NM_002609.4(PDGFRB):c.1886T>G (p.Met629Arg)

Gene: PDGFRB (platelet derived growth factor receptor beta; minus strand). Cytogenetic location: 5q32.
Variant type: single nucleotide variant.
Coding change: c.1886T>G on transcript NM_002609.4 (MANE Select); coding-DNA position 1886, T replaced by G.
Protein change: p.Met629Arg; replaces methionine 629 with arginine.
Molecular consequence: missense variant.
Genome position (GRCh38, 1-based): chr5:150,124,753, A>C on the plus strand (T>G on the coding strand, the complement: PDGFRB is on the minus strand). VCF-style: chr5-150124753-A-C. GRCh37 (hg19) VCF-style: chr5-149504316-A-C.
Other names: c.1694T>G, p.Met565Arg (NM_001355016.2); c.1403T>G, p.Met468Arg (NM_001355017.2); short protein forms M468R, M565R, M629R.
Identifiers: ClinVar variation 1304309 (VCV001304309.2), dbSNP rs1342136227, ClinGen allele CA361765469.